The following is an entry in ClinVar:

ClinVar aggregate classification (germline): Uncertain significance (1 of 4 stars; one submission).

Allele frequency attached by ClinVar (database versions not stated): TOPMed 0.00001; gnomAD exomes below 0.00001; gnomAD 0.00001.
gnomAD v4.1: 5 of 1,613,738 alleles (0.00031%); highest among the groups gnomAD compares: Non-Finnish European, 0.00034%; no homozygotes.

Submission:

Labcorp Genetics (formerly Invitae), Labcorp
Classification: Uncertain significance. Last evaluated: 2022-03-28. Review status: criteria provided, single submitter. Criteria: Invitae Variant Classification Sherloc (09022015). Collection method: clinical testing. Allele origin: germline.
Comment: This sequence change replaces proline, which is neutral and non-polar, with serine, which is neutral and polar, at codon 672 of the ADAMTS18 protein (p.Pro672Ser). This variant is present in population databases (no rsID available, gnomAD 0.0009%). This variant has not been reported in the literature in individuals affected with ADAMTS18-related conditions. Algorithms developed to predict the effect of missense changes on protein structure and function are either unavailable or do not agree on the potential impact of this missense change (SIFT: "Not Available"; PolyPhen-2: "Probably Damaging"; Align-GVGD: "Not Available"). In summary, the available evidence is currently insufficient to determine the role of this variant in disease. Therefore, it has been classified as a Variant of Uncertain Significance.

NM_199355.4(ADAMTS18):c.2014C>T (p.Pro672Ser)

Gene: ADAMTS18 (ADAM metallopeptidase with thrombospondin type 1 motif 18; minus strand). Cytogenetic location: 16q23.1.
Variant type: single nucleotide variant.
Coding change: c.2014C>T on transcript NM_199355.4 (MANE Select); coding-DNA position 2014, C replaced by T.
Protein change: p.Pro672Ser; replaces proline 672 with serine.
Molecular consequence: missense variant.
Genome position (GRCh38, 1-based): chr16:77,325,884, G>A on the plus strand (C>T on the coding strand, the complement: ADAMTS18 is on the minus strand). VCF-style: chr16-77325884-G-A. GRCh37 (hg19) VCF-style: chr16-77359781-G-A.
Other names: c.1498C>T, p.Pro500Ser (NM_001326358.2); short protein forms P500S, P672S.
Identifiers: ClinVar variation 1949172 (VCV001949172.2), dbSNP rs1478945175, ClinGen allele CA396828928.